The following is an entry in ClinVar:

NM_002471.4(MYH6):c.5514G>T (p.Ser1838=)

Gene: MYH6 (myosin heavy chain 6; minus strand). Cytogenetic location: 14q11.2.
Variant type: single nucleotide variant.
Coding change: c.5514G>T on transcript NM_002471.4 (MANE Select); coding-DNA position 5514, G replaced by T.
Protein change: p.Ser1838=; no amino-acid change (serine 1838 retained).
Molecular consequence: synonymous variant.
Genome position (GRCh38, 1-based): chr14:23,384,493, C>A on the plus strand (G>T on the coding strand, the complement: MYH6 is on the minus strand). VCF-style: chr14-23384493-C-A. GRCh37 (hg19) VCF-style: chr14-23853702-C-A.
Identifiers: ClinVar variation 164212 (VCV000164212.45), dbSNP rs727503232, ClinGen allele CA176935.

ClinVar aggregate classification (germline): Likely benign. Review status: criteria provided, multiple submitters, no conflicts (2 of 4 stars). 6 submissions from 6 submitters: Likely benign (6). Last evaluated 2025-09-14.

Conditions:
Cardiovascular phenotype. Identifiers: MedGen CN230736.
Cardiomyopathy (CMYO). Also called: Cardiomyopathies. Identifiers: Orphanet 167848, MedGen C0878544, MONDO:0004994, HP:0001638. Inheritance: Various modes of inheritance.
Hypertrophic cardiomyopathy 14. Identifiers: MedGen C2750467, MONDO:0013197, OMIM 613251.

Allele frequency attached by ClinVar (database versions not stated): ExAC 0.00007; gnomAD 0.00010; TOPMed 0.00015.

Submissions (6):

Labcorp Genetics (formerly Invitae), Labcorp
Classification: Likely benign for Hypertrophic cardiomyopathy 14. Last evaluated: 2025-09-14. Review status: criteria provided, single submitter. Criteria: Invitae Variant Classification Sherloc (09022015). Collection method: clinical testing. Allele origin: germline.

CeGaT Center for Human Genetics Tuebingen
Classification: Likely benign. Last evaluated: 2024-03-01. Review status: criteria provided, single submitter. Criteria: CeGaT Center For Human Genetics Tuebingen Variant Classification Criteria Version 2. Collection method: clinical testing. Allele origin: germline. Affected: yes. Observed: 3 variant alleles.
Comment: MYH6: BP4, BP7

Ambry Genetics
Classification: Likely benign for Cardiovascular phenotype. Last evaluated: 2020-03-25. Review status: criteria provided, single submitter. Criteria: Ambry Variant Classification Scheme 2023. Collection method: clinical testing. Allele origin: germline.

GeneDx
Classification: Likely benign. Last evaluated: 2019-12-26. Review status: criteria provided, single submitter. Criteria: GeneDx Variant Classification Process June 2021. Collection method: clinical testing. Allele origin: germline. Affected: yes.

CHEO Genetics Diagnostic Laboratory, Children's Hospital of Eastern Ontario
Classification: Likely benign for Cardiomyopathy. Last evaluated: 2018-04-16. Review status: criteria provided, single submitter. Criteria: ACMG Guidelines, 2015. Collection method: clinical testing. Allele origin: germline.

Laboratory for Molecular Medicine, Mass General Brigham Personalized Medicine
Classification: Likely benign. Last evaluated: 2013-04-20. Review status: criteria provided, single submitter. Criteria: LMM Criteria. Collection method: clinical testing. Allele origin: germline. Observed: 1 variant allele.
Comment: Ser1838Ser in exon 36 of MYH6: This variant is not expected to have clinical sig nificance because it does not alter an amino acid residue and is not located wit hin the splice consensus sequence. Ser1838Ser in exon 36 of MYH6 (allele frequ ency = n/a)